The following is an entry in ClinVar:

NM_000268.4(NF2):c.1202A>G (p.Lys401Arg)

Gene: NF2 (NF2, moesin-ezrin-radixin like (MERLIN) tumor suppressor; plus strand). Cytogenetic location: 22q12.2.
Variant type: single nucleotide variant.
Coding change: c.1202A>G on transcript NM_000268.4 (MANE Select); coding-DNA position 1202, A replaced by G.
Protein change: p.Lys401Arg; replaces lysine 401 with arginine.
Molecular consequence: missense variant. On other transcripts: non-coding transcript variant (1), intron variant (1).
Genome position (GRCh38, 1-based): chr22:29,673,348, A>G. VCF-style: chr22-29673348-A-G. GRCh37 (hg19) VCF-style: chr22-30069337-A-G.
Other names: c.1088A>G, p.Lys363Arg (NM_001407053.1, NM_001407056.1); c.1079A>G, p.Lys360Arg (NM_001407054.1, NM_001407058.1, NM_181829.3); c.1076A>G, p.Lys359Arg (NM_001407055.1, NM_181828.3); c.1067A>G, p.Lys356Arg (NM_001407057.1, NM_001407059.1); c.1202A>G, p.Lys401Arg (NM_001407060.1, NM_001407066.1, NM_016418.5 and 2 more transcripts); c.944A>G, p.Lys315Arg (NM_001407062.1); c.953A>G, p.Lys318Arg (NM_001407063.1, NM_001407064.1, NM_181830.3 and 1 more transcripts); c.668A>G, p.Lys223Arg (NM_001407065.1); and 2 more; short protein forms K223R, K318R, K356R, K359R, K401R, K315R, K324R, K363R.
Identifiers: ClinVar variation 2057244 (VCV002057244.4), dbSNP rs2518680101, ClinGen allele CA411148138.

ClinVar aggregate classification (germline): Uncertain significance (1 of 4 stars; one submission).

Conditions:
Neurofibromatosis, type 2 (SWNV). Also called: NF2-Related Schwannomatosis; BILATERAL ACOUSTIC NEUROFIBROMATOSIS; SCHWANNOMATOSIS, VESTIBULAR. Identifiers: Orphanet 637, MedGen C0027832, MONDO:0007039, OMIM 101000. Disease mechanism: loss of function.

Submission:

Labcorp Genetics (formerly Invitae), Labcorp
Classification: Uncertain significance for Neurofibromatosis, type 2. Last evaluated: 2021-12-24. Review status: criteria provided, single submitter. Criteria: Invitae Variant Classification Sherloc (09022015). Collection method: clinical testing. Allele origin: germline.
Comment: In summary, the available evidence is currently insufficient to determine the role of this variant in disease. Therefore, it has been classified as a Variant of Uncertain Significance. Algorithms developed to predict the effect of missense changes on protein structure and function are either unavailable or do not agree on the potential impact of this missense change (SIFT: "Tolerated"; PolyPhen-2: "Possibly Damaging"; Align-GVGD: "Class C0"). This variant has not been reported in the literature in individuals affected with NF2-related conditions. This variant is not present in population databases (gnomAD no frequency). This sequence change replaces lysine, which is basic and polar, with arginine, which is basic and polar, at codon 401 of the NF2 protein (p.Lys401Arg).